The following is an entry in ClinVar:

NM_002772.3(TMPRSS15):c.643G>A (p.Asp215Asn)

Gene: TMPRSS15 (transmembrane serine protease 15; minus strand). Cytogenetic location: 21q21.1.
Variant type: single nucleotide variant.
Coding change: c.643G>A on transcript NM_002772.3 (MANE Select); coding-DNA position 643, G replaced by A.
Protein change: p.Asp215Asn; replaces aspartic acid 215 with asparagine.
Molecular consequence: missense variant.
Genome position (GRCh38, 1-based): chr21:18,372,214, C>T on the plus strand (G>A on the coding strand, the complement: TMPRSS15 is on the minus strand). VCF-style: chr21-18372214-C-T. GRCh37 (hg19) VCF-style: chr21-19744531-C-T.
Other names: short protein forms D215N.
Identifiers: ClinVar variation 2016063 (VCV002016063.4), dbSNP rs2075798862, ClinGen allele CA409852446.

ClinVar aggregate classification (germline): Uncertain significance (1 of 4 stars; one submission).

Allele frequency attached by ClinVar (database versions not stated): gnomAD exomes below 0.00001.
gnomAD v4.1: 1 of 1,610,496 alleles (0.000062%); highest among the groups gnomAD compares: Non-Finnish European, 0.000085%; no homozygotes.

Submission:

Labcorp Genetics (formerly Invitae), Labcorp
Classification: Uncertain significance. Last evaluated: 2024-06-03. Review status: criteria provided, single submitter. Criteria: Invitae Variant Classification Sherloc (09022015). Collection method: clinical testing. Allele origin: germline.
Comment: This sequence change replaces aspartic acid, which is acidic and polar, with asparagine, which is neutral and polar, at codon 215 of the TMPRSS15 protein (p.Asp215Asn). This variant is not present in population databases (gnomAD no frequency). This variant has not been reported in the literature in individuals affected with TMPRSS15-related conditions. ClinVar contains an entry for this variant (Variation ID: 2016063). An algorithm developed to predict the effect of missense changes on protein structure and function (PolyPhen-2) suggests that this variant is likely to be disruptive. In summary, the available evidence is currently insufficient to determine the role of this variant in disease. Therefore, it has been classified as a Variant of Uncertain Significance.